The following is an entry in ClinVar:

NM_003482.4(KMT2D):c.12171A>C (p.Ser4057=)

Gene: KMT2D (lysine methyltransferase 2D; minus strand). Cytogenetic location: 12q13.12.
Variant type: single nucleotide variant.
Coding change: c.12171A>C on transcript NM_003482.4 (MANE Select); coding-DNA position 12171, A replaced by C.
Protein change: p.Ser4057=; no amino-acid change (serine 4057 retained).
Molecular consequence: synonymous variant.
Genome position (GRCh38, 1-based): chr12:49,032,534, T>G on the plus strand (A>C on the coding strand, the complement: KMT2D is on the minus strand). VCF-style: chr12-49032534-T-G. GRCh37 (hg19) VCF-style: chr12-49426317-T-G.
Identifiers: ClinVar variation 3033386 (VCV003033386.3), dbSNP rs1156340572, ClinGen allele CA479708487.

ClinVar aggregate classification (germline): Likely benign. Review status: criteria provided, single submitter (1 of 4 stars). 2 submissions from 2 submitters: Likely benign (1). 1 of the submissions does not count toward it. Last evaluated 2020-08-25.

Conditions:
KMT2D-related disorder. Also called: KMT2D-Related Disorders.

Allele frequency attached by ClinVar (database versions not stated): gnomAD exomes 0.00001.
gnomAD v4.1: 15 of 1,603,480 alleles (0.00094%); highest among the groups gnomAD compares: Non-Finnish European, 0.0013%; no homozygotes.

Submissions (2):

Blueprint Genetics
Classification: Likely benign. Last evaluated: 2020-08-25. Review status: criteria provided, single submitter. Criteria: ACMG Guidelines, 2015. Collection method: clinical testing. Allele origin: germline.

PreventionGenetics, part of Exact Sciences
Classification: Likely benign for KMT2D-related condition. Last evaluated: 2023-12-15. Review status: no assertion criteria provided. Collection method: clinical testing. Allele origin: germline. Not counted in ClinVar's aggregate classification.
Comment: This variant is classified as likely benign based on ACMG/AMP sequence variant interpretation guidelines (Richards et al. 2015 PMID: 25741868, with internal and published modifications).